The following is an entry in ClinVar:

ClinVar aggregate classification (germline): Benign/Likely benign. Review status: criteria provided, multiple submitters, no conflicts (2 of 4 stars). 9 submissions from 9 submitters: Benign (3); Likely benign (5). 1 of the submissions does not count toward it. Last evaluated 2026-02-03.

Conditions:
LIAS-related disorder. Also called: LIAS-related condition.
Inborn genetic diseases. Identifiers: MedGen C0950123, MeSH D030342.
Lipoic acid synthetase deficiency. Also called: HYPERGLYCINEMIA, LACTIC ACIDOSIS, AND SEIZURES. Identifiers: Orphanet 401859, MedGen C3280887, MONDO:0013762, OMIM 614462.

Allele frequency attached by ClinVar (database versions not stated): gnomAD exomes 0.00029 and 0.00081; ExAC 0.00095; 1000 Genomes Project 30x 0.00297; 1000 Genomes Project 0.00319; gnomAD 0.00338 and 0.00364; TOPMed 0.00374; ESP Exome Variant Server 0.00377.
gnomAD v4.1: 959 of 1,574,312 alleles (0.061%); highest among the groups gnomAD compares: African/African-American, 1.2%; 9 homozygotes.

Submissions (9):

Labcorp Genetics (formerly Invitae), Labcorp
Classification: Benign for Lipoic acid synthetase deficiency. Last evaluated: 2026-02-03. Review status: criteria provided, single submitter. Criteria: Invitae Variant Classification Sherloc (09022015). Collection method: clinical testing. Allele origin: germline.

CeGaT Center for Human Genetics Tuebingen
Classification: Likely benign. Last evaluated: 2025-11-01. Review status: criteria provided, single submitter. Criteria: CeGaT Center For Human Genetics Tuebingen Variant Classification Criteria Version 2. Collection method: clinical testing. Allele origin: germline. Affected: yes. Observed: 1 variant allele.
Comment: LIAS: BP4, BS1

Mayo Clinic Laboratories, Mayo Clinic
Classification: Benign. Last evaluated: 2025-02-05. Review status: criteria provided, single submitter. Criteria: ACMG Guidelines, 2015. Collection method: clinical testing. Allele origin: germline. Observed: 2 variant alleles.
Comment: BA1, BS1, BP4

Blueprint Genetics
Classification: Likely benign. Last evaluated: 2024-10-02. Review status: criteria provided, single submitter. Criteria: ACMG Guidelines, 2015. Collection method: clinical testing. Allele origin: germline.

Ambry Genetics
Classification: Likely benign for Inborn genetic diseases. Last evaluated: 2023-02-14. Review status: criteria provided, single submitter. Criteria: Ambry Variant Classification Scheme 2023. Collection method: clinical testing. Allele origin: germline.

GeneDx
Classification: Benign. Last evaluated: 2017-10-24. Review status: criteria provided, single submitter. Criteria: GeneDx Variant Classification (06012015). Collection method: clinical testing. Allele origin: germline. Affected: yes.
Comment: This variant is considered likely benign or benign based on one or more of the following criteria: it is a conservative change, it occurs at a poorly conserved position in the protein, it is predicted to be benign by multiple in silico algorithms, and/or has population frequency not consistent with disease.

Athena Diagnostics
Classification: Likely benign. Last evaluated: 2017-09-07. Review status: criteria provided, single submitter. Criteria: Athena Diagnostics Criteria. Collection method: clinical testing. Allele origin: germline.

Breakthrough Genomics
Classification: Likely benign. Review status: criteria provided, single submitter. Criteria: ACMG Guidelines, 2015. Collection method: not provided. Allele origin: germline. Inheritance: Autosomal recessive inheritance. Affected: yes.

PreventionGenetics, part of Exact Sciences
Classification: Benign for LIAS-related condition. Last evaluated: 2019-08-28. Review status: no assertion criteria provided. Collection method: clinical testing. Allele origin: germline. Not counted in ClinVar's aggregate classification.
Comment: This variant is classified as benign based on ACMG/AMP sequence variant interpretation guidelines (Richards et al. 2015 PMID: 25741868, with internal and published modifications).

NM_006859.4(LIAS):c.57A>C (p.Arg19Ser)

Gene: LIAS (lipoic acid synthetase; plus strand). Cytogenetic location: 4p14.
Variant type: single nucleotide variant.
Coding change: c.57A>C on transcript NM_006859.4 (MANE Select); coding-DNA position 57, A replaced by C.
Protein change: p.Arg19Ser; replaces arginine 19 with serine.
Molecular consequence: missense variant.
Genome position (GRCh38, 1-based): chr4:39,460,801, A>C. VCF-style: chr4-39460801-A-C. GRCh37 (hg19) VCF-style: chr4-39462421-A-C.
Other names: p.Arg19Ser; c.57A>C, p.Arg19Ser (NM_001278590.2, NM_001278591.2, NM_001278592.2 and 2 more transcripts); short protein forms R19S.
Identifiers: ClinVar variation 378084 (VCV000378084.25), dbSNP rs140921822, ClinGen allele CA2894568.
Genomic context (GRCh38, chr4:39,460,801, plus strand): 5'-ATTATTACGGACTCCACTAAATAAACGTCATAATTAACTCTTTCTTTAGGTATTTGGGAG[A>C]TATTTTTGCAGCCCAGTCAGACCGTTAAGCTCCTTGCCAGATAAAAAAAAGGAACTCCTA-3'
Protein context (NP_006850.2, residues 9-29): ARTLGPRVFG[Arg19Ser]YFCSPVRPLS